The following is an entry in ClinVar:

ClinVar aggregate classification (germline): Uncertain significance (1 of 4 stars; one submission).

Conditions:
Hereditary cancer-predisposing syndrome. Also called: Neoplastic Syndromes, Hereditary; Tumor predisposition; Hereditary neoplastic syndrome; Hereditary Cancer Syndrome. Identifiers: Orphanet 140162, MedGen C0027672, MeSH D009386, MONDO:0015356.

Submission:

Ambry Genetics
Classification: Uncertain significance for Hereditary cancer-predisposing syndrome. Last evaluated: 2024-04-16. Review status: criteria provided, single submitter. Criteria: Ambry Variant Classification Scheme 2023. Collection method: clinical testing. Allele origin: germline.
Comment: The p.E1024Q variant (also known as c.3070G>C), located in coding exon 26 of the TSC2 gene, results from a G to C substitution at nucleotide position 3070. The glutamic acid at codon 1024 is replaced by glutamine, an amino acid with highly similar properties. This amino acid position is conserved. In addition, this alteration is predicted to be deleterious by in silico analysis. Based on the available evidence, the clinical significance of this variant remains unclear.

NM_000548.5(TSC2):c.3070G>C (p.Glu1024Gln)

Gene: TSC2 (TSC complex subunit 2; plus strand). Cytogenetic location: 16p13.3.
Variant type: single nucleotide variant.
Coding change: c.3070G>C on transcript NM_000548.5 (MANE Select); coding-DNA position 3070, G replaced by C.
Protein change: p.Glu1024Gln; replaces glutamic acid 1024 with glutamine.
Molecular consequence: missense variant. On other transcripts: non-coding transcript variant (5).
Genome position (GRCh38, 1-based): chr16:2,079,135, G>C. VCF-style: chr16-2079135-G-C. GRCh37 (hg19) VCF-style: chr16-2129136-G-C.
Other names: c.2881G>C, p.Glu961Gln (NM_001406677.1); c.2827G>C, p.Glu943Gln (NM_001406678.1); c.2791G>C, p.Glu931Gln (NM_001406679.1); c.2470G>C, p.Glu824Gln (NM_001406680.1, NM_001406682.1, NM_001406683.1); c.2479G>C, p.Glu827Gln (NM_001406681.1); c.2467G>C, p.Glu823Gln (NM_001406684.1); c.2341G>C, p.Glu781Gln (NM_001406685.1, NM_001406686.1); c.1594G>C, p.Glu532Gln (NM_001406696.1, NM_001406697.1, NM_001406691.1 and 1 more transcripts); and 18 more; short protein forms E446Q, E532Q, E781Q, E932Q, E961Q, E974Q, E987Q, E991Q.
Identifiers: ClinVar variation 3329500 (VCV003329500.1).